The following is an entry in ClinVar:

ClinVar aggregate classification (germline): Uncertain significance. Review status: criteria provided, multiple submitters, no conflicts (2 of 4 stars). 3 submissions from 3 submitters: Uncertain significance (3). Last evaluated 2026-04-13.

Conditions:
Intellectual disability, autosomal dominant 9 (NESCAVS). Also called: NESCAV SYNDROME; KIF1A-Related Neurodevelopmental Disorder. Identifiers: Orphanet 662367, MedGen C5393830, MONDO:0013656, OMIM 614255.
Hereditary spastic paraplegia 30. Identifiers: Orphanet 101010, MedGen C5235139, MONDO:0012476.
Neuropathy, hereditary sensory, type 2C. Also called: Hereditary sensory and autonomic neuropathy type IIC; KIF1A-Related HSAN2 (HSAN2C). Identifiers: Orphanet 970, MedGen C3280168, MONDO:0013634, OMIM 614213.
KIF1A-related disorder. Also called: KIF1A-related disorders; KIF1A-related condition.

gnomAD v4.1: 1 of 1,605,952 alleles (0.000062%); highest among the groups gnomAD compares: Non-Finnish European, 0.000085%; no homozygotes.

Submissions (3):

PreventionGenetics, part of Exact Sciences
Classification: Uncertain significance for KIF1A-related condition. Last evaluated: 2026-04-13. Review status: criteria provided, single submitter. Criteria: ACMG Guidelines, 2015. Collection method: clinical testing. Allele origin: germline.
Comment: The KIF1A c.4811C>T variant is predicted to result in the amino acid substitution p.Thr1604Ile. To our knowledge, this variant has not been reported in the literature or in a large population database (gnomAD), indicating this variant is rare. At this time, the clinical significance of this variant is uncertain due to the absence of conclusive functional and genetic evidence.

Labcorp Genetics (formerly Invitae), Labcorp
Classification: Uncertain significance for Hereditary spastic paraplegia 30; Neuropathy, hereditary sensory, type 2C; Intellectual disability, autosomal dominant 9. Last evaluated: 2023-12-19. Review status: criteria provided, single submitter. Criteria: Invitae Variant Classification Sherloc (09022015). Collection method: clinical testing. Allele origin: germline.
Comment: This sequence change replaces threonine, which is neutral and polar, with isoleucine, which is neutral and non-polar, at codon 1503 of the KIF1A protein (p.Thr1503Ile). This variant is not present in population databases (gnomAD no frequency). This variant has not been reported in the literature in individuals affected with KIF1A-related conditions. ClinVar contains an entry for this variant (Variation ID: 936762). Advanced modeling of protein sequence and biophysical properties (such as structural, functional, and spatial information, amino acid conservation, physicochemical variation, residue mobility, and thermodynamic stability) performed at Invitae indicates that this missense variant is not expected to disrupt KIF1A protein function with a negative predictive value of 95%. In summary, the available evidence is currently insufficient to determine the role of this variant in disease. Therefore, it has been classified as a Variant of Uncertain Significance.

GeneDx
Classification: Uncertain significance. Last evaluated: 2023-02-12. Review status: criteria provided, single submitter. Criteria: GeneDx Variant Classification Process June 2021. Collection method: clinical testing. Allele origin: germline. Affected: yes.
Comment: Not observed at significant frequency in large population cohorts (gnomAD); In silico analysis supports that this missense variant has a deleterious effect on protein structure/function; Has not been previously published as pathogenic or benign to our knowledge

NM_001244008.2(KIF1A):c.4811C>T (p.Thr1604Ile)

Gene: KIF1A (kinesin family member 1A; minus strand). Cytogenetic location: 2q37.3.
Variant type: single nucleotide variant.
Coding change: c.4811C>T on transcript NM_001244008.2 (MANE Select); coding-DNA position 4811, C replaced by T.
Protein change: p.Thr1604Ile; replaces threonine 1604 with isoleucine.
Molecular consequence: missense variant.
Genome position (GRCh38, 1-based): chr2:240,720,971, G>A on the plus strand (C>T on the coding strand, the complement: KIF1A is on the minus strand). VCF-style: chr2-240720971-G-A. GRCh37 (hg19) VCF-style: chr2-241660388-G-A.
Other names: c.4535C>T, p.Thr1512Ile (NM_001320705.2, NM_001379649.1); c.4562C>T, p.Thr1521Ile (NM_001330289.2); c.4610C>T, p.Thr1537Ile (NM_001330290.2, NM_001379648.1); c.4886C>T, p.Thr1629Ile (NM_001379631.1); c.4787C>T, p.Thr1596Ile (NM_001379632.1); c.4784C>T, p.Thr1595Ile (NM_001379633.1, NM_001379645.1); c.4637C>T, p.Thr1546Ile (NM_001379634.1); c.4634C>T, p.Thr1545Ile (NM_001379635.1, NM_001379646.1); and 8 more; short protein forms T1502I, T1503I, T1520I, T1604I, T1629I, T1511I, T1521I, T1596I.
Identifiers: ClinVar variation 936762 (VCV000936762.12), dbSNP rs982977592, ClinGen allele CA351301752.